The following is an entry in ClinVar:

ClinVar aggregate classification (germline): Uncertain significance (1 of 4 stars; one submission).

Conditions:
Familial thoracic aortic aneurysm and aortic dissection (TAAD). Also called: Thoracic aortic aneurysms and dissections. Identifiers: Orphanet 91387, MedGen C4707243, MONDO:0019625.

Submission:

Ambry Genetics
Classification: Uncertain significance for Familial thoracic aortic aneurysm and aortic dissection. Last evaluated: 2024-04-21. Review status: criteria provided, single submitter. Criteria: Ambry Variant Classification Scheme 2023. Collection method: clinical testing. Allele origin: germline.
Comment: The p.D622G variant (also known as c.1865A>G), located in coding exon 11 of the NOTCH1 gene, results from an A to G substitution at nucleotide position 1865. The aspartic acid at codon 622 is replaced by glycine, an amino acid with similar properties. This amino acid position is conserved. In addition, this alteration is predicted to be tolerated by in silico analysis. Based on the available evidence, the clinical significance of this variant remains unclear.

NM_017617.5(NOTCH1):c.1865A>G (p.Asp622Gly)

Gene: NOTCH1 (notch receptor 1; minus strand). Cytogenetic location: 9q34.3.
Variant type: single nucleotide variant.
Coding change: c.1865A>G on transcript NM_017617.5 (MANE Select); coding-DNA position 1865, A replaced by G.
Protein change: p.Asp622Gly; replaces aspartic acid 622 with glycine.
Molecular consequence: missense variant.
Genome position (GRCh38, 1-based): chr9:136,515,521, T>C on the plus strand (A>G on the coding strand, the complement: NOTCH1 is on the minus strand). VCF-style: chr9-136515521-T-C. GRCh37 (hg19) VCF-style: chr9-139409973-T-C.
Other names: short protein forms D622G.
Identifiers: ClinVar variation 3300457 (VCV003300457.1).
Genomic context (GRCh38, chr9:136,515,521, plus strand): 5'-GGCCACCCGCCTGGCCGGCCACCTGTGGTCCCCTTCAGGCAGAAGCAGAGGTAGGCGTTG[T>C]CGCGGTCCTGGCAGGTGCCCCCGTGGCGGCAGGGCTGGCTGGAGCACTCGTTGATGTTGG-3'
Protein context (NP_060087.3, residues 612-632): CRHGGTCQDR[Asp622Gly]NAYLCFCLKG